The following is an entry in ClinVar:

NM_001378615.1(CC2D2A):c.4396_4400del (p.Phe1466fs)

Genes: CC2D2A (coiled-coil and C2 domain containing 2A; plus strand), FBXL5 (F-box and leucine rich repeat protein 5; minus strand). Cytogenetic location: 4p15.32.
Variant type: Deletion.
Coding change: c.4396_4400del on transcript NM_001378615.1 (MANE Select); coding-DNA positions 4396 to 4400, 5 bases deleted (TTTTC; older notation c.4396_4400delTTTTC).
Protein change: p.Phe1466fs; shifts the reading frame from phenylalanine 1466.
Molecular consequence: frameshift variant.
Genome position (GRCh38, 1-based): chr4:15,596,166-15,596,170, TTTTC deleted; deleting any 5 consecutive bases within chr4:15,596,162-15,596,170 gives the same sequence; the c. name uses the placement nearest the transcript's 3' end. VCF-style (leftmost placement, unchanged base first): chr4-15596161-CTTTCT-C. GRCh37 (hg19) VCF-style: chr4-15597784-CTTTCT-C.
Other names: c.4396_4400delTTTTC (NM_001080522.2); c.4396_4400del, p.Phe1466fs (NM_001080522.2); c.4249_4253del, p.Phe1417fs (NM_001378617.1); short protein forms F1466fs, F1417fs.
Identifiers: ClinVar variation 634562 (VCV000634562.8), dbSNP rs1176927796, ClinGen allele CA789452016.

ClinVar aggregate classification (germline): Pathogenic/Likely pathogenic. Review status: criteria provided, multiple submitters, no conflicts (2 of 4 stars). 3 submissions from 3 submitters: Pathogenic (1); Likely pathogenic (2). Last evaluated 2025-04-08.

Conditions:
COACH syndrome 2. Identifiers: MedGen C5436837, MONDO:0030859, OMIM 619111.
Joubert syndrome and related disorders. Identifiers: Orphanet 140874, MedGen C5679612, MONDO:0015369.

Submissions (3):

Myriad Genetics, Inc.
Classification: Pathogenic for Joubert syndrome and related disorders. Last evaluated: 2025-04-08. Review status: criteria provided, single submitter. Criteria: Myriad Autosomal Dominant, Autosomal Recessive and X-Linked Classification Criteria (2023). Collection method: clinical testing. Allele origin: unknown.
Comment: NM_001080522.2(CC2D2A):c.4396_4400del5(F1466Kfs*14) is expected to be pathogenic in the context of CC2D2A-related disorders. This variant is predicted to lead to an abnormal or absent protein product due to the creation of a premature termination codon in CC2D2A, a gene where loss-of-function variants are known to be pathogenic. Please note: this variant was assessed in the context of healthy population screening.

Genomic Research Center, Shahid Beheshti University of Medical Sciences
Classification: Likely pathogenic. Last evaluated: 2019-01-01. Review status: criteria provided, single submitter. Criteria: ACMG Guidelines, 2015. Collection method: research. Allele origin: unknown. Affected: no. Observed: 1 variant allele.

Kariminejad - Najmabadi Pathology & Genetics Center
Classification: Likely pathogenic for COACH syndrome 2. Review status: criteria provided, single submitter. Criteria: ACMG Guidelines, 2015. Collection method: clinical testing. Allele origin: germline. Affected: no.